The following is an entry in ClinVar:

NM_014000.3(VCL):c.3019G>C (p.Gly1007Arg)

Gene: VCL (vinculin; plus strand). Cytogenetic location: 10q22.2.
Variant type: single nucleotide variant.
Coding change: c.3019G>C on transcript NM_014000.3 (MANE Select); coding-DNA position 3019, G replaced by C.
Protein change: p.Gly1007Arg; replaces glycine 1007 with arginine.
Molecular consequence: missense variant.
Genome position (GRCh38, 1-based): chr10:74,114,253, G>C. VCF-style: chr10-74114253-G-C. GRCh37 (hg19) VCF-style: chr10-75874011-G-C.
Other names: c.2815G>C, p.Gly939Arg (NM_003373.4); short protein forms G1007R, G939R.
Identifiers: ClinVar variation 496424 (VCV000496424.8), dbSNP rs1554819630, ClinGen allele CA377266653.

ClinVar aggregate classification (germline): Uncertain significance. Review status: criteria provided, multiple submitters, no conflicts (2 of 4 stars). 2 submissions from 2 submitters: Uncertain significance (2). Last evaluated 2024-02-24.

Conditions:
Dilated cardiomyopathy 1W (CMD1W). Identifiers: Orphanet 154, MedGen C1969639, MONDO:0012667, OMIM 611407.

Allele frequency attached by ClinVar (database versions not stated): gnomAD 0.00001.
gnomAD v4.1: 1 of 1,614,026 alleles (0.000062%); highest among the groups gnomAD compares: African/African-American, 0.0013%; no homozygotes.

Submissions (2):

Labcorp Genetics (formerly Invitae), Labcorp
Classification: Uncertain significance for Dilated cardiomyopathy 1W. Last evaluated: 2024-02-24. Review status: criteria provided, single submitter. Criteria: Invitae Variant Classification Sherloc (09022015). Collection method: clinical testing. Allele origin: germline.
Comment: This sequence change replaces glycine, which is neutral and non-polar, with arginine, which is basic and polar, at codon 1007 of the VCL protein (p.Gly1007Arg). This variant is not present in population databases (gnomAD no frequency). This variant has not been reported in the literature in individuals affected with VCL-related conditions. ClinVar contains an entry for this variant (Variation ID: 496424). An algorithm developed to predict the effect of missense changes on protein structure and function (PolyPhen-2) suggests that this variant is likely to be disruptive. In summary, the available evidence is currently insufficient to determine the role of this variant in disease. Therefore, it has been classified as a Variant of Uncertain Significance.

Women's Health and Genetics/Laboratory Corporation of America, LabCorp
Classification: Uncertain significance. Last evaluated: 2016-05-02. Review status: criteria provided, single submitter. Criteria: LabCorp Variant Classification Summary - May 2015. Collection method: clinical testing. Allele origin: germline.
Comment: Variant summary: The c.3019G>C variant affects a conserved nucleotide, resulting in amino acid change from Gly to Arg. 4/4 in-silico tools predict damaging outcome for this variant (SNPs&GO not captured due to low reliability index). This variant is not found in 120502 control chromosomes. The variant of interest has not, to our knowledge, been reported in affected individuals via publications and/or reputable databases/clinical laboratories; nor evaluated for functional impact by in vivo/vitro studies. Because of the absence of clinical information and the lack of functional studies, the variant was classified as a variant of uncertain significance (VUS) until additional information becomes available.